The following is an entry in ClinVar:

ClinVar aggregate classification (germline): Uncertain significance (1 of 4 stars; one submission).

Submission:

Labcorp Genetics (formerly Invitae), Labcorp
Classification: Uncertain significance. Last evaluated: 2022-03-11. Review status: criteria provided, single submitter. Criteria: Invitae Variant Classification Sherloc (09022015). Collection method: clinical testing. Allele origin: germline.
Comment: In summary, the available evidence is currently insufficient to determine the role of this variant in disease. Therefore, it has been classified as a Variant of Uncertain Significance. Advanced modeling of protein sequence and biophysical properties (such as structural, functional, and spatial information, amino acid conservation, physicochemical variation, residue mobility, and thermodynamic stability) performed at Invitae indicates that this missense variant is expected to disrupt RS1 protein function. This variant has not been reported in the literature in individuals affected with RS1-related conditions. This variant is not present in population databases (gnomAD no frequency). This sequence change replaces lysine, which is basic and polar, with isoleucine, which is neutral and non-polar, at codon 36 of the RS1 protein (p.Lys36Ile).

NM_000330.4(RS1):c.107A>T (p.Lys36Ile)

Gene: RS1 (retinoschisin 1; minus strand). Cytogenetic location: Xp22.13.
Variant type: single nucleotide variant.
Coding change: c.107A>T on transcript NM_000330.4 (MANE Select); coding-DNA position 107, A replaced by T.
Protein change: p.Lys36Ile; replaces lysine 36 with isoleucine.
Molecular consequence: missense variant.
Genome position (GRCh38, 1-based): chrX:18,656,730, T>A on the plus strand (A>T on the coding strand, the complement: RS1 is on the minus strand). VCF-style: chrX-18656730-T-A. GRCh37 (hg19) VCF-style: chrX-18674850-T-A.
Other names: short protein forms K36I.
Identifiers: ClinVar variation 2109528 (VCV002109528.4), dbSNP rs2518937896, ClinGen allele CA412376459.